The following is an entry in ClinVar:

ClinVar aggregate classification (germline): Benign/Likely benign. Review status: criteria provided, multiple submitters, no conflicts (2 of 4 stars). 2 submissions from 2 submitters: Benign (1); Likely benign (1). Last evaluated 2025-05-08.

Conditions:
Tuberous sclerosis 2 (TSC2). Identifiers: Orphanet 805, MedGen C1860707, MONDO:0013199, OMIM 613254.

Submissions (2):

Myriad Genetics, Inc.
Classification: Benign for Tuberous sclerosis 2. Last evaluated: 2025-05-08. Review status: criteria provided, single submitter. Criteria: Myriad Autosomal Dominant, Autosomal Recessive and X-Linked Classification Criteria (2023). Collection method: clinical testing. Allele origin: unknown.
Comment: This variant is considered benign. This variant is a silent/synonymous amino acid change and it is not expected to impact splicing.

Labcorp Genetics (formerly Invitae), Labcorp
Classification: Likely benign for Tuberous sclerosis 2. Last evaluated: 2023-06-02. Review status: criteria provided, single submitter. Criteria: Invitae Variant Classification Sherloc (09022015). Collection method: clinical testing. Allele origin: germline.

NM_000548.5(TSC2):c.664C>T (p.Leu222=)

Gene: TSC2 (TSC complex subunit 2; plus strand). Cytogenetic location: 16p13.3.
Variant type: single nucleotide variant.
Coding change: c.664C>T on transcript NM_000548.5 (MANE Select); coding-DNA position 664, C replaced by T.
Protein change: p.Leu222=; no amino-acid change (leucine 222 retained).
Molecular consequence: synonymous variant.
Genome position (GRCh38, 1-based): chr16:2,056,659, C>T. VCF-style: chr16-2056659-C-T. GRCh37 (hg19) VCF-style: chr16-2106660-C-T.
Other names: c.664C>T, p.Leu222= (NM_001077183.3, NM_001114382.3, NM_001363528.2 and 3 more transcripts); c.553C>T, p.Leu185= (NM_001318827.2); c.517C>T, p.Leu173= (NM_001318829.2); c.64C>T, p.Leu22= (NM_001318831.2); c.697C>T, p.Leu233= (NM_001318832.2).
Identifiers: ClinVar variation 1136813 (VCV001136813.10), dbSNP rs2151077923, ClinGen allele CA492956961.